The following is an entry in ClinVar:

NM_001384140.1(PCDH15):c.4274del (p.Ala1425fs)

Gene: PCDH15 (protocadherin related 15; minus strand). Cytogenetic location: 10q21.1.
Variant type: Deletion.
Coding change: c.4274del on transcript NM_001384140.1 (MANE Select); coding-DNA position 4274, one base deleted (C; older notation c.4274delC).
Protein change: p.Ala1425fs; shifts the reading frame from alanine 1425.
Molecular consequence: frameshift variant.
Genome position (GRCh38, 1-based): chr10:53,827,486, G deleted on the plus strand (C on the coding strand, the reverse complement: PCDH15 is on the minus strand). VCF-style (leftmost placement, unchanged base first): chr10-53827485-TG-T. GRCh37 (hg19) VCF-style: chr10-55587245-TG-T.
Other names: c.4289del, p.Ala1430fs (NM_001142763.2, NM_001142771.2); c.4274del, p.Ala1425fs (NM_001142764.2, NM_001142770.3, NM_001142772.2 and 3 more transcripts); c.4061del, p.Ala1354fs (NM_001142765.2); c.4265del, p.Ala1422fs (NM_001142766.2); c.4154del, p.Ala1385fs (NM_001142767.2); c.4208del, p.Ala1403fs (NM_001142768.2, NM_001354404.2); c.4310delC, p.Ala1437Glufs (NM_001142769.4); c.4199del, p.Ala1400fs (NM_001142773.2); and 1 more; short protein forms A1403fs, A1430fs, A1354fs, A1385fs, A1400fs, A1422fs, A1425fs, A1432fs.
Identifiers: ClinVar variation 1453226 (VCV001453226.6), dbSNP rs2132579465, ClinGen allele CA2573145213.

ClinVar aggregate classification (germline): Pathogenic (1 of 4 stars; one submission).

Submission:

Labcorp Genetics (formerly Invitae), Labcorp
Classification: Pathogenic. Last evaluated: 2021-12-12. Review status: criteria provided, single submitter. Criteria: Invitae Variant Classification Sherloc (09022015). Collection method: clinical testing. Allele origin: germline.
Comment: This sequence change creates a premature translational stop signal (p.Ala1425Glufs*58) in the PCDH15 gene. While this is not anticipated to result in nonsense mediated decay, it is expected to disrupt the last 531 amino acid(s) of the PCDH15 protein. This variant is not present in population databases (gnomAD no frequency). This variant has not been reported in the literature in individuals affected with PCDH15-related conditions. Algorithms developed to predict the effect of sequence changes on RNA splicing suggest that this variant may create or strengthen a splice site. This variant disrupts a region of the PCDH15 protein in which other variant(s) (p.Gln1576*) have been determined to be pathogenic (PMID: 28281779). This suggests that this is a clinically significant region of the protein, and that variants that disrupt it are likely to be disease-causing. For these reasons, this variant has been classified as Pathogenic.

Literature cited by the submitters: PubMed 28281779.